The following is an entry in ClinVar:

NM_001009944.3(PKD1):c.7596C>G (p.Leu2532=)

Gene: PKD1 (polycystin 1, transient receptor potential channel interacting; minus strand). Cytogenetic location: 16p13.3.
Variant type: single nucleotide variant.
Coding change: c.7596C>G on transcript NM_001009944.3 (MANE Select); coding-DNA position 7596, C replaced by G.
Protein change: p.Leu2532=; no amino-acid change (leucine 2532 retained).
Molecular consequence: synonymous variant.
Genome position (GRCh38, 1-based): chr16:2,106,198, G>C on the plus strand (C>G on the coding strand, the complement: PKD1 is on the minus strand). VCF-style: chr16-2106198-G-C. GRCh37 (hg19) VCF-style: chr16-2156199-G-C.
Other names: c.7596C>G, p.Leu2532= (NM_000296.4).
Identifiers: ClinVar variation 3030579 (VCV003030579.2), dbSNP rs571865937, ClinGen allele CA7831016.

ClinVar aggregate classification (germline): Likely benign (0 of 4 stars; one submission).

Conditions:
PKD1-related disorder. Also called: PKD1-related condition.

Allele frequency attached by ClinVar (database versions not stated): gnomAD 0.00001; TOPMed 0.00002; ExAC 0.00003; 1000 Genomes Project 30x 0.00016; 1000 Genomes Project 0.00020.
gnomAD v4.1: 18 of 1,610,222 alleles (0.0011%); highest among the groups gnomAD compares: East Asian, 0.036%; no homozygotes.

Submission:

PreventionGenetics, part of Exact Sciences
Classification: Likely benign for PKD1-related condition. Last evaluated: 2023-05-05. Review status: no assertion criteria provided. Collection method: clinical testing. Allele origin: germline.
Comment: This variant is classified as likely benign based on ACMG/AMP sequence variant interpretation guidelines (Richards et al. 2015 PMID: 25741868, with internal and published modifications).